The following is an entry in ClinVar:

ClinVar aggregate classification (germline): Uncertain significance. Review status: criteria provided, single submitter (1 of 4 stars). 2 submissions from 2 submitters: Uncertain significance (1). 1 of the submissions does not count toward it. Last evaluated 2025-08-29.

Conditions:
XYLT2-related disorder. Also called: XYLT2-related condition.
Inborn genetic diseases. Identifiers: MedGen C0950123, MeSH D030342.

Allele frequency attached by ClinVar (database versions not stated): TOPMed below 0.00001; ESP Exome Variant Server 0.00015; gnomAD 0.00001; ExAC 0.00002; gnomAD exomes 0.00001.
gnomAD v4.1: 10 of 1,607,004 alleles (0.00062%); highest among the groups gnomAD compares: Non-Finnish European, 0.00085%; no homozygotes.

Submissions (2):

Ambry Genetics
Classification: Uncertain significance for Inborn genetic diseases. Last evaluated: 2025-08-29. Review status: criteria provided, single submitter. Criteria: Ambry Variant Classification Scheme 2023. Collection method: clinical testing. Allele origin: germline.

PreventionGenetics, part of Exact Sciences
Classification: Uncertain significance for XYLT2-related condition. Last evaluated: 2024-03-21. Review status: no assertion criteria provided. Collection method: clinical testing. Allele origin: germline. Not counted in ClinVar's aggregate classification.
Comment: The XYLT2 c.801C>G variant is predicted to result in the amino acid substitution p.Asp267Glu. To our knowledge, this variant has not been reported in the literature. This variant is reported in 0.0027% of alleles in individuals of European (Non-Finnish) descent in gnomAD. At this time, the clinical significance of this variant is uncertain due to the absence of conclusive functional and genetic evidence.

NM_022167.4(XYLT2):c.801C>G (p.Asp267Glu)

Gene: XYLT2 (xylosyltransferase 2; plus strand). Cytogenetic location: 17q21.33.
Variant type: single nucleotide variant.
Coding change: c.801C>G on transcript NM_022167.4 (MANE Select); coding-DNA position 801, C replaced by G.
Protein change: p.Asp267Glu; replaces aspartic acid 267 with glutamic acid.
Molecular consequence: missense variant.
Genome position (GRCh38, 1-based): chr17:50,354,580, C>G. VCF-style: chr17-50354580-C-G. GRCh37 (hg19) VCF-style: chr17-48431941-C-G.
Other names: short protein forms D267E.
Identifiers: ClinVar variation 2513871 (VCV002513871.4), dbSNP rs146072092, ClinGen allele CA8646263.
Genomic context (GRCh38, chr17:50,354,580, plus strand): 5'-GCTGAAGCGTCTCCTCAAGGCCGTTTATCACGAGCAGCACTTCTTTTACATCCATGTGGA[C>G]AAGGTACTGTGGTGGGGAGAGGCCAAGGGGTCTGGGATGAGCAGAGCAGAAACAGAAGGT-3'
Protein context (NP_071450.2, residues 257-277): HEQHFFYIHV[Asp267Glu]KRSDYLHREV